The following is an entry in ClinVar:

ClinVar aggregate classification (germline): Uncertain significance (1 of 4 stars; one submission).

Conditions:
Muscular dystrophy-dystroglycanopathy (congenital with brain and eye anomalies), type A2. Also called: MUSCULAR DYSTROPHY-DYSTROGLYCANOPATHY (CONGENITAL WITH BRAIN AND EYE ANOMALIES), TYPE A, 2; WALKER-WARBURG SYNDROME OR MUSCLE-EYE-BRAIN DISEASE, POMT2-RELATED. Identifiers: Orphanet 588, Orphanet 899, MedGen C3150411, MONDO:0013154, OMIM 613150.
Autosomal recessive limb-girdle muscular dystrophy type 2N. Also called: MUSCULAR DYSTROPHY-DYSTROGLYCANOPATHY, LIMB-GIRDLE, POMT2-RELATED; Muscular dystrophy-dystroglycanopathy (limb-girdle), type C, 2. Identifiers: Orphanet 206559, MedGen C3150418, MONDO:0013162, OMIM 613158.
Muscular dystrophy-dystroglycanopathy (congenital with impaired intellectual development), type B, 2. Also called: MUSCULAR DYSTROPHY, CONGENITAL, POMT2-RELATED; Muscular dystrophy-dystroglycanopathy (congenital with intellectual disability), type B2. Identifiers: MedGen C3150416, MONDO:0013160, OMIM 613156.

Allele frequency attached by ClinVar (database versions not stated): gnomAD exomes below 0.00001.
gnomAD v4.1: 1 of 1,614,200 alleles (0.000062%); highest among the groups gnomAD compares: Non-Finnish European, 0.000085%; no homozygotes.

Submission:

Labcorp Genetics (formerly Invitae), Labcorp
Classification: Uncertain significance for Muscular dystrophy-dystroglycanopathy (congenital with impaired intellectual development), type B, 2; Muscular dystrophy-dystroglycanopathy (congenital with brain and eye anomalies), type A2; Autosomal recessive limb-girdle muscular dystrophy type 2N. Last evaluated: 2022-07-26. Review status: criteria provided, single submitter. Criteria: Invitae Variant Classification Sherloc (09022015). Collection method: clinical testing. Allele origin: germline.
Comment: This sequence change replaces leucine, which is neutral and non-polar, with phenylalanine, which is neutral and non-polar, at codon 556 of the POMT2 protein (p.Leu556Phe). In summary, the available evidence is currently insufficient to determine the role of this variant in disease. Therefore, it has been classified as a Variant of Uncertain Significance. Algorithms developed to predict the effect of missense changes on protein structure and function are either unavailable or do not agree on the potential impact of this missense change (SIFT: "Deleterious"; PolyPhen-2: "Possibly Damaging"; Align-GVGD: "Class C15"). ClinVar contains an entry for this variant (Variation ID: 1381254). This variant has not been reported in the literature in individuals affected with POMT2-related conditions. This variant is not present in population databases (gnomAD no frequency).

NM_013382.7(POMT2):c.1666C>T (p.Leu556Phe)

Gene: POMT2 (protein O-mannosyltransferase 2; minus strand). Cytogenetic location: 14q24.3.
Variant type: single nucleotide variant.
Coding change: c.1666C>T on transcript NM_013382.7 (MANE Select); coding-DNA position 1666, C replaced by T.
Protein change: p.Leu556Phe; replaces leucine 556 with phenylalanine.
Molecular consequence: missense variant.
Genome position (GRCh38, 1-based): chr14:77,280,451, G>A on the plus strand (C>T on the coding strand, the complement: POMT2 is on the minus strand). VCF-style: chr14-77280451-G-A. GRCh37 (hg19) VCF-style: chr14-77746794-G-A.
Other names: short protein forms L556F.
Identifiers: ClinVar variation 1381254 (VCV001381254.6), dbSNP rs1890178718, ClinGen allele CA390515613.